The following is an entry in ClinVar:

NM_004260.4(RECQL4):c.2517C>T (p.Phe839=)

Gene: RECQL4 (RecQ like helicase 4; minus strand). Cytogenetic location: 8q24.3.
Variant type: single nucleotide variant.
Coding change: c.2517C>T on transcript NM_004260.4 (MANE Select); coding-DNA position 2517, C replaced by T.
Protein change: p.Phe839=; no amino-acid change (phenylalanine 839 retained).
Molecular consequence: synonymous variant.
Genome position (GRCh38, 1-based): chr8:144,513,085, G>A on the plus strand (C>T on the coding strand, the complement: RECQL4 is on the minus strand). VCF-style: chr8-144513085-G-A. GRCh37 (hg19) VCF-style: chr8-145738468-G-A.
Identifiers: ClinVar variation 1612164 (VCV001612164.22), dbSNP rs2130673158, ClinGen allele CA463566645.
Genomic context (GRCh38, chr8:144,513,085, plus strand): 5'-CCTGGTGCAGGTGCAGGTGCAGGCTGGGAACACGCGCTGTACCAGCCTCTTCACAGCCAG[G>A]AAGTCCGTGCTGTCGGCGTGCACATGTCTGCGCAGCTCTCGCAGGTCTTCGCCCTGCAGG-3'
Protein context (NP_004251.4, residues 829-849): RRHVHADSTD[Phe839=]LAVKRLVQRV

ClinVar aggregate classification (germline): Conflicting classifications of pathogenicity. Review status: criteria provided, conflicting classifications (1 of 4 stars). 2 submissions from 2 submitters: Uncertain significance (1); Likely benign (1). Last evaluated 2025-07-21.

Conditions:
Baller-Gerold syndrome (BGS). Also called: CRANIOSYNOSTOSIS WITH RADIAL DEFECTS. Identifiers: Orphanet 1225, MedGen C0265308, MONDO:0009039, OMIM 218600.

Allele frequency attached by ClinVar (database versions not stated): gnomAD exomes below 0.00001.

Submissions (2):

Labcorp Genetics (formerly Invitae), Labcorp
Classification: Likely benign for Baller-Gerold syndrome. Last evaluated: 2025-07-21. Review status: criteria provided, single submitter. Criteria: Invitae Variant Classification Sherloc (09022015). Collection method: clinical testing. Allele origin: germline.

CeGaT Center for Human Genetics Tuebingen
Classification: Uncertain significance. Last evaluated: 2024-11-01. Review status: criteria provided, single submitter. Criteria: CeGaT Center For Human Genetics Tuebingen Variant Classification Criteria Version 2. Collection method: clinical testing. Allele origin: germline. Affected: yes. Observed: 1 variant allele.
Comment: RECQL4: PM2, BP4